The following is an entry in ClinVar:

NM_004655.4(AXIN2):c.481A>G (p.Ile161Val)

Gene: AXIN2 (axin 2; minus strand). Cytogenetic location: 17q24.1.
Variant type: single nucleotide variant.
Coding change: c.481A>G on transcript NM_004655.4 (MANE Select); coding-DNA position 481, A replaced by G.
Protein change: p.Ile161Val; replaces isoleucine 161 with valine.
Molecular consequence: missense variant.
Genome position (GRCh38, 1-based): chr17:65,558,140, T>C on the plus strand (A>G on the coding strand, the complement: AXIN2 is on the minus strand). VCF-style: chr17-65558140-T-C. GRCh37 (hg19) VCF-style: chr17-63554258-T-C.
Other names: c.481A>G, p.Ile161Val (NM_001363813.1); short protein forms I161V.
Identifiers: ClinVar variation 4707476 (VCV004707476.1).

ClinVar aggregate classification (germline): Uncertain significance (1 of 4 stars; one submission).

Conditions:
Oligodontia-cancer predisposition syndrome. Also called: TOOTH AGENESIS-COLORECTAL CANCER SYNDROME. Identifiers: Orphanet 300576, MedGen C1837750, MONDO:0012075, OMIM 608615. Disease mechanism: loss of function.

Submission:

Labcorp Genetics (formerly Invitae), Labcorp
Classification: Uncertain significance for Oligodontia-cancer predisposition syndrome. Last evaluated: 2025-04-18. Review status: criteria provided, single submitter. Criteria: Invitae Variant Classification Sherloc (09022015). Collection method: clinical testing. Allele origin: germline.
Comment: This sequence change replaces isoleucine, which is neutral and non-polar, with valine, which is neutral and non-polar, at codon 161 of the AXIN2 protein (p.Ile161Val). This variant is not present in population databases (gnomAD no frequency). This variant has not been reported in the literature in individuals affected with AXIN2-related conditions. Invitae Evidence Modeling of protein sequence and biophysical properties (such as structural, functional, and spatial information, amino acid conservation, physicochemical variation, residue mobility, and thermodynamic stability) indicates that this missense variant is not expected to disrupt AXIN2 protein function with a negative predictive value of 80%. In summary, the available evidence is currently insufficient to determine the role of this variant in disease. Therefore, it has been classified as a Variant of Uncertain Significance.